The following is an entry in ClinVar:

NM_000154.2(GALK1):c.544dup (p.Cys182fs)

Gene: GALK1 (galactokinase 1; minus strand). Cytogenetic location: 17q25.1.
Variant type: Duplication.
Coding change: c.544dup on transcript NM_000154.2 (MANE Select); coding-DNA position 544, one base duplicated (T; older notation c.544dupT).
Protein change: p.Cys182fs; shifts the reading frame from cysteine 182.
Molecular consequence: frameshift variant.
Genome position (GRCh38, 1-based): chr17:75,763,081, A duplicated on the plus strand (T on the coding strand, the reverse complement: GALK1 is on the minus strand). VCF-style (leftmost placement, unchanged base first): chr17-75763080-C-CA. GRCh37 (hg19) VCF-style: chr17-73759161-C-CA.
Other names: c.544dup, p.Cys182fs (NM_001381985.1); short protein forms C182fs.
Identifiers: ClinVar variation 5012673 (VCV005012673.1).
Genomic context (GRCh38, chr17:75,763,080, plus strand): 5'-TCAATGAGCAGCGCGTGGCCTTTCTGTCCCATAAGTGAGATGAACTGGTCCATGATGCCA[C>CA]AGGGCATCCCTGCGAAGCTGTGCTCGGCCTGCTGACACACCTGGGCGCGGGCAGCTATTG-3'

ClinVar aggregate classification (germline): Pathogenic (1 of 4 stars; one submission).

Conditions:
Deficiency of galactokinase. Also called: GALACTOSEMIA II; Galactokinase deficiency with cataracts. Identifiers: Orphanet 352, Orphanet 79237, MedGen C0268155, MONDO:0009255, OMIM 230200.

Submission:

Myriad Genetics, Inc.
Classification: Pathogenic for Deficiency of galactokinase. Last evaluated: 2024-01-22. Review status: criteria provided, single submitter. Criteria: Myriad Autosomal Dominant, Autosomal Recessive and X-Linked Classification Criteria (2023). Collection method: clinical testing. Allele origin: unknown.
Comment: NM_000154.1(GALK1):c.544dupT(C182Lfs*21) is expected to be pathogenic in the context of galactokinase deficiency. This variant is predicted to lead to an abnormal or absent protein product due to the creation of a premature termination codon in GALK1, a gene where loss-of-function variants are known to be pathogenic. Please note: this variant was assessed in the context of healthy population screening.